The following is an entry in ClinVar:

ClinVar aggregate classification (germline): Uncertain significance (1 of 4 stars; one submission).

gnomAD v4.1: 10 of 1,493,942 alleles (0.00067%); highest among the groups gnomAD compares: East Asian, 0.0053%; no homozygotes.

Submission:

Ambry Genetics
Classification: Uncertain significance. Last evaluated: 2026-04-08. Review status: criteria provided, single submitter. Criteria: Ambry Variant Classification Scheme 2023. Collection method: clinical testing. Allele origin: germline.
Comment: The c.977A>T (p.E326V) alteration is located in exon 2 (coding exon 2) of the TCHH gene. This alteration results from a A to T substitution at nucleotide position 977, causing the glutamic acid (E) at amino acid position 326 to be replaced by a valine (V). Based on data from gnomAD, the T allele has an overall frequency of 0.001% (2/244314) total alleles studied. The highest observed frequency was 0.002% (2/111846) of European (non-Finnish) alleles. Based on insufficient or conflicting evidence, the clinical significance of this alteration remains unclear.

NM_007113.4(TCHH):c.977A>T (p.Glu326Val)

Gene: TCHH (trichohyalin; minus strand). Cytogenetic location: 1q21.3.
Variant type: single nucleotide variant.
Coding change: c.977A>T on transcript NM_007113.4 (MANE Select); coding-DNA position 977, A replaced by T.
Protein change: p.Glu326Val; replaces glutamic acid 326 with valine.
Molecular consequence: missense variant.
Genome position (GRCh38, 1-based): chr1:152,112,240, T>A on the plus strand (A>T on the coding strand, the complement: TCHH is on the minus strand). VCF-style: chr1-152112240-T-A. GRCh37 (hg19) VCF-style: chr1-152084716-T-A.
Other names: short protein forms E326V.
Identifiers: ClinVar variation 4865392 (VCV004865392.1).